The following continues an entry in ClinVar:

NM_001166114.2(PNPLA6):c.3058_3061dup (p.Arg1021fs)

Gene: PNPLA6. ClinVar aggregate classification (germline): Pathogenic. Pathogenic (15).

Submissions 12 to 19 of 19:

Institute of Human Genetics Munich, TUM University Hospital
Classification: Pathogenic for Hereditary spastic paraplegia 39. Last evaluated: 2020-02-13. Review status: criteria provided, single submitter. Criteria: Classification criteria August 2017. Collection method: clinical testing. Allele origin: germline. Inheritance: Autosomal recessive inheritance. Affected: yes. Observed: 1 variant allele.

Illumina Laboratory Services, Illumina
Classification: Pathogenic for PNPLA6-related disorders. Last evaluated: 2018-12-07. Review status: criteria provided, single submitter. Criteria: ICSL Variant Classification Criteria 09 May 2019. Collection method: clinical testing. Allele origin: germline.
Comment: The PNPLA6 c.2944_2947dupAGCC (p.Arg983GlnfsTer38) variant results in a frameshift predicted to result in premature termination of the protein. The variant is also referred to in the literature as c.3084_3085insGCCA (p.Arg1031GlufsTer38). The p.Arg983GlnfsTer38 variant has been reported in at least three studies in which it is found in a compound heterozygous state with a missense variant in at least seven patients with a range of phenotypes, two of whom are siblings (Rainier et al. 2008; Synofzik et al. 2014; Hufnagel et al. 2015). The two siblings presented with progressive spastic paraplegia and distal muscle wasting (Rainer et al. 2008). The affected individuals reported by Synofzik et al. (2014) were diagnosed with sporadic ataxia and Gordon Holmes syndrome respectively while the three reported by Hufnagel et al. (2015) presented with Laurence-Moon syndrome. The variant is absent from 405 controls and is reported at a frequency of 0.000485 in the European American population of the Exome Sequencing Project. The p.Arg983GlnfsTer38 variant is predicted to result in the truncation of a large part of the catalytic domain of the protein (Rainier et al. 2008). Based on the potential impact of frameshift variants and the collective evidence, the p.Arg983GlnfsTer38 variant is classified as pathogenic for PNPLA6-related disorders. This variant was observed by ICSL as part of a predisposition screen in an ostensibly healthy population.

CeGaT Center for Human Genetics Tuebingen
Classification: Pathogenic. Last evaluated: 2017-01-01. Review status: criteria provided, single submitter. Criteria: CeGaT Center For Human Genetics Tuebingen Variant Classification Criteria Version 2. Collection method: clinical testing. Allele origin: germline. Affected: yes. Observed: 1 variant allele.

Paris Brain Institute, Inserm - ICM
Classification: Pathogenic for Hereditary spastic paraplegia 39. Review status: criteria provided, single submitter. Criteria: ACMG Guidelines, 2015. Collection method: clinical testing. Allele origin: unknown. Affected: yes. Observed: 1 variant allele.

OMIM
Classification: Pathogenic for OLIVER-MCFARLANE SYNDROME. Last evaluated: 2015-02-01. Review status: no assertion criteria provided. Collection method: literature only. Allele origin: germline. Not counted in ClinVar's aggregate classification.

OMIM
Classification: Pathogenic for LAURENCE-MOON SYNDROME. Last evaluated: 2015-02-01. Review status: no assertion criteria provided. Collection method: literature only. Allele origin: germline. Not counted in ClinVar's aggregate classification.

OMIM
Classification: Pathogenic for SPASTIC PARAPLEGIA 39, AUTOSOMAL RECESSIVE. Last evaluated: 2008-03-01. Review status: no assertion criteria provided. Collection method: literature only. Allele origin: germline. Not counted in ClinVar's aggregate classification.

GeneReviews
No classification provided. Condition: Ataxia-hypogonadism-choroidal dystrophy syndrome. Review status: no classification provided. Collection method: literature only. Allele origin: germline. Not counted in ClinVar's aggregate classification.
Comment: Reported across the PNPLA6 disorders phenotypic spectrum

Literature cited by the submitters: PubMed 18313024 (cited by 9 submitters); PubMed 20603202 (cited by 4 submitters); PubMed 31135245 (cited by 3 submitters); PubMed 34983064 (cited by Mayo Clinic Laboratories, Mayo Clinic); PubMed 35069422 (cited by Mayo Clinic Laboratories, Mayo Clinic); PubMed 35872528 (cited by Mayo Clinic Laboratories, Mayo Clinic); PubMed 36460718 (cited by Mayo Clinic Laboratories, Mayo Clinic); PubMed 36825042 (cited by Mayo Clinic Laboratories, Mayo Clinic); PubMed 24355708 (cited by 7 submitters); PubMed 25480986 (cited by 8 submitters); PubMed 23733235 (cited by 3 submitters); PubMed 25574898 (cited by 3 submitters); PubMed 3963113 (cited by OMIM); PubMed 38735647 (cited by OMIM); PubMed 8053762 (cited by OMIM); PubMed 25299038 (cited by GeneReviews).